The following is an entry in ClinVar:

ClinVar aggregate classification (germline): Benign/Likely benign. Review status: criteria provided, multiple submitters, no conflicts (2 of 4 stars). 3 submissions from 3 submitters: Benign (1); Likely benign (1). 1 of the submissions does not count toward it. Last evaluated 2025-04-01.

Conditions:
RREB1-related disorder. Also called: RREB1-related condition.

Allele frequency attached by ClinVar (database versions not stated): gnomAD exomes 0.00041 and 0.00106; ExAC 0.00116; 1000 Genomes Project 0.00339; 1000 Genomes Project 30x 0.00344; ESP Exome Variant Server 0.00368; gnomAD 0.00370 and 0.00399; TOPMed 0.00383.
gnomAD v4.1: 1,211 of 1,600,124 alleles (0.076%); highest among the groups gnomAD compares: African/African-American, 1.2%; 4 homozygotes.

Submissions (3):

CeGaT Center for Human Genetics Tuebingen
Classification: Likely benign. Last evaluated: 2025-04-01. Review status: criteria provided, single submitter. Criteria: CeGaT Center For Human Genetics Tuebingen Variant Classification Criteria Version 2. Collection method: clinical testing. Allele origin: germline. Affected: yes. Observed: 2 variant alleles.
Comment: RREB1: BP4, BS1

Labcorp Genetics (formerly Invitae), Labcorp
Classification: Benign. Last evaluated: 2019-12-31. Review status: criteria provided, single submitter. Criteria: Invitae Variant Classification Sherloc (09022015). Collection method: clinical testing. Allele origin: germline.

PreventionGenetics, part of Exact Sciences
Classification: Benign for RREB1-related condition. Last evaluated: 2019-02-22. Review status: no assertion criteria provided. Collection method: clinical testing. Allele origin: germline. Not counted in ClinVar's aggregate classification.
Comment: This variant is classified as benign based on ACMG/AMP sequence variant interpretation guidelines (Richards et al. 2015 PMID: 25741868, with internal and published modifications).

NM_001003699.4(RREB1):c.1830G>T (p.Met610Ile)

Gene: RREB1 (ras responsive element binding protein 1; plus strand). Cytogenetic location: 6p24.3.
Variant type: single nucleotide variant.
Coding change: c.1830G>T on transcript NM_001003699.4 (MANE Select); coding-DNA position 1830, G replaced by T.
Protein change: p.Met610Ile; replaces methionine 610 with isoleucine.
Molecular consequence: missense variant.
Genome position (GRCh38, 1-based): chr6:7,229,929, G>T. VCF-style: chr6-7229929-G-T. GRCh37 (hg19) VCF-style: chr6-7230162-G-T.
Other names: c.1830G>T, p.Met610Ile (NM_001003698.4, NM_001003700.2, NM_001168344.2); short protein forms M610I.
Identifiers: ClinVar variation 713325 (VCV000713325.20), dbSNP rs35147576, ClinGen allele CA3625656.
Genomic context (GRCh38, chr6:7,229,929, plus strand): 5'-TGAGATGAAGACGCAGCTGGAGCAGGACAGCATCATCGAGGCCCTGCTGCCGCTGAGCAT[G>T]GAGGCCAAGATCAAGCAGGAGATCACAGAGGGGGAACTCAAGGCCTTCATGACAGCGCCC-3'
Protein context (NP_001003699.1, residues 600-620): SIIEALLPLS[Met610Ile]EAKIKQEITE